The following is an entry in ClinVar:

NM_000548.5(TSC2):c.3230C>A (p.Thr1077Asn)

Gene: TSC2 (TSC complex subunit 2; plus strand). Cytogenetic location: 16p13.3.
Variant type: single nucleotide variant.
Coding change: c.3230C>A on transcript NM_000548.5 (MANE Select); coding-DNA position 3230, C replaced by A.
Protein change: p.Thr1077Asn; replaces threonine 1077 with asparagine.
Molecular consequence: missense variant. On other transcripts: non-coding transcript variant (5).
Genome position (GRCh38, 1-based): chr16:2,079,374, C>A. VCF-style: chr16-2079374-C-A. GRCh37 (hg19) VCF-style: chr16-2129375-C-A.
Other names: c.3098C>A, p.Thr1033Asn (NM_001077183.3, NM_001370404.1, NM_001406665.1); c.3230C>A, p.Thr1077Asn (NM_001114382.3); c.2990C>A, p.Thr997Asn (NM_001318827.2); c.2954C>A, p.Thr985Asn (NM_001318829.2); c.2498C>A, p.Thr833Asn (NM_001318831.2, NM_001406687.1, NM_001406688.1); c.3131C>A, p.Thr1044Asn (NM_001318832.2); c.3101C>A, p.Thr1034Asn (NM_001363528.2, NM_001370405.1, NM_021055.3); c.3227C>A, p.Thr1076Asn (NM_001406663.1, NM_001406664.1); and 18 more; short protein forms T1033N, T1076N, T834N, T984N, T1027N, T1044N, T586N, T833N.
Identifiers: ClinVar variation 3462633 (VCV003462633.1).

ClinVar aggregate classification (germline): Uncertain significance (1 of 4 stars; one submission).

Conditions:
Hereditary cancer-predisposing syndrome. Also called: Tumor predisposition; Neoplastic Syndromes, Hereditary; Hereditary neoplastic syndrome; Hereditary Cancer Syndrome. Identifiers: Orphanet 140162, MedGen C0027672, MeSH D009386, MONDO:0015356.

Submission:

Ambry Genetics
Classification: Uncertain significance for Hereditary cancer-predisposing syndrome. Last evaluated: 2024-10-09. Review status: criteria provided, single submitter. Criteria: Ambry Variant Classification Scheme 2023. Collection method: clinical testing. Allele origin: germline.
Comment: The p.T1077N variant (also known as c.3230C>A), located in coding exon 27 of the TSC2 gene, results from a C to A substitution at nucleotide position 3230. The threonine at codon 1077 is replaced by asparagine, an amino acid with similar properties. This amino acid position is well conserved in available vertebrate species. In addition, the in silico prediction for this alteration is inconclusive. Based on the available evidence, the clinical significance of this variant remains unclear.

Literature cited by the submitters: PubMed 28087349.